The following is an entry in ClinVar:

NM_000038.6(APC):c.1521_1522dup (p.Leu508fs)

Gene: APC (APC regulator of Wnt signaling pathway; plus strand). Cytogenetic location: 5q22.2.
Variant type: Duplication.
Coding change: c.1521_1522dup on transcript NM_000038.6 (MANE Select); coding-DNA positions 1521 to 1522, 2 bases duplicated (CT; older notation c.1521_1522dupCT).
Protein change: p.Leu508fs; shifts the reading frame from leucine 508.
Molecular consequence: frameshift variant.
Genome position (GRCh38, 1-based): chr5:112,827,220-112,827,221, CT duplicated. VCF-style (leftmost placement, unchanged base first): chr5-112827219-A-ACT. GRCh37 (hg19) VCF-style: chr5-112162916-A-ACT.
Other names: c.1521_1522dup, p.Leu508fs (NM_001127510.3, NM_001354895.2, NM_001407450.1); c.1467_1468dup, p.Leu490fs (NM_001127511.3); c.1218_1219dup, p.Leu407fs (NM_001354903.2, NM_001407458.1, NM_001407459.1 and 1 more transcripts); c.1143_1144dup, p.Leu382fs (NM_001354904.2); c.1041_1042dup, p.Leu348fs (NM_001354905.2); c.672_673dup, p.Leu225fs (NM_001354906.2, NM_001407470.1); c.1605_1606dup, p.Leu536fs (NM_001407446.1); c.1575_1576dup, p.Leu526fs (NM_001407447.1, NM_001407448.1, NM_001407449.1 and 1 more transcripts); and 11 more; short protein forms L124fs, L225fs, L407fs, L449fs, L518fs, L379fs, L467fs, L480fs.
Identifiers: ClinVar variation 4843527 (VCV004843527.1).

ClinVar aggregate classification (germline): Pathogenic (1 of 4 stars; one submission).

Conditions:
Hereditary cancer-predisposing syndrome. Also called: Neoplastic Syndromes, Hereditary; Tumor predisposition; Hereditary Cancer Syndrome; Hereditary neoplastic syndrome. Identifiers: Orphanet 140162, MedGen C0027672, MeSH D009386, MONDO:0015356.

Submission:

Ambry Genetics
Classification: Pathogenic for Hereditary cancer-predisposing syndrome. Last evaluated: 2025-12-23. Review status: criteria provided, single submitter. Criteria: Ambry Variant Classification Scheme 2023. Collection method: clinical testing. Allele origin: germline.
Comment: The c.1521_1522dupCT pathogenic mutation, located in coding exon 11 of the APC gene, results from a duplication of CT at nucleotide positions 1521 to 1522, causing a translational frameshift with a predicted alternate stop codon (p.L508Sfs*2). This variant was reported in individual(s) with features consistent with APC-related familial adenomatous polyposis. This variant is considered to be rare based on population cohorts in the Genome Aggregation Database (gnomAD). This alteration is expected to result in loss of function by premature protein truncation or nonsense-mediated mRNA decay. As such, this alteration is interpreted as a disease-causing mutation.